The following is an entry in ClinVar:

NM_001267550.2(TTN):c.44906del (p.Asn14969fs)

Gene: TTN (titin; minus strand). Cytogenetic location: 2q31.2.
Variant type: Deletion.
Coding change: c.44906del on transcript NM_001267550.2 (MANE Select); coding-DNA position 44906, one base deleted (A; older notation c.44906delA).
Protein change: p.Asn14969fs; shifts the reading frame from asparagine 14969.
Molecular consequence: frameshift variant.
Genome position (GRCh38, 1-based): chr2:178,622,677, T deleted on the plus strand (A on the coding strand, the reverse complement: TTN is on the minus strand); the first of 4 consecutive T bases (chr2:178,622,677-178,622,680); deleting any one gives the same sequence. VCF-style (leftmost placement, unchanged base first): chr2-178622676-AT-A. GRCh37 (hg19) VCF-style: chr2-179487403-AT-A.
Other names: c.39983del, p.Asn13328fs (NM_001256850.1); c.17711del, p.Asn5904fs (NM_003319.4); c.37202del, p.Asn12401fs (NM_133378.4); c.18086del, p.Asn6029fs (NM_133432.3); c.18287del, p.Asn6096fs (NM_133437.4); short protein forms N13328fs, N12401fs, N5904fs, N6096fs, N14969fs, N6029fs.
Identifiers: ClinVar variation 2005752 (VCV002005752.4), dbSNP rs2471098846, ClinGen allele CA2580065098.

ClinVar aggregate classification (germline): Likely pathogenic (1 of 4 stars; one submission).

Conditions:
Dilated cardiomyopathy 1G (CMD1G). Identifiers: Orphanet 154, MedGen C1858763, MONDO:0011400, OMIM 604145.
Autosomal recessive limb-girdle muscular dystrophy type 2J (LGMDR10). Also called: MUSCULAR DYSTROPHY, LIMB-GIRDLE, AUTOSOMAL RECESSIVE 10; Limb-girdle muscular dystrophy, type 2J. Identifiers: Orphanet 140922, MedGen C1837342, MONDO:0012127, OMIM 608807.

Submission:

Labcorp Genetics (formerly Invitae), Labcorp
Classification: Likely pathogenic for Dilated cardiomyopathy 1G; Autosomal recessive limb-girdle muscular dystrophy type 2J. Last evaluated: 2024-10-18. Review status: criteria provided, single submitter. Criteria: Invitae Variant Classification Sherloc (09022015). Collection method: clinical testing. Allele origin: germline.
Comment: This sequence change creates a premature translational stop signal (p.Asn14969Metfs*47) in the TTN gene. While this is not anticipated to result in nonsense mediated decay, it is expected to create a truncated TTN protein. This variant is not present in population databases (gnomAD no frequency). This variant has not been reported in the literature in individuals affected with TTN-related conditions. ClinVar contains an entry for this variant (Variation ID: 2005752). This variant is located in the I band of TTN (PMID: 25589632). Truncating variants in this region have been reported in individuals affected with autosomal recessive centronuclear myopathy (PMID: 23975875, internal data). Truncating variants in this region have also been identified in individuals affected with autosomal dominant dilated cardiomyopathy and/or cardio-related conditions (PMID: 27869827, 32964742, internal data). In summary, the currently available evidence indicates that the variant is pathogenic, but additional data are needed to prove that conclusively. Therefore, this variant has been classified as Likely Pathogenic.

Literature cited by the submitters: PubMed 25589632; PubMed 23975875; PubMed 27869827; PubMed 32964742.